The following is an entry in ClinVar:

NM_000059.4(BRCA2):c.1515A>G (p.Ile505Met)

Gene: BRCA2 (BRCA2 DNA repair associated; plus strand). Cytogenetic location: 13q13.1.
Variant type: single nucleotide variant.
Coding change: c.1515A>G on transcript NM_000059.4 (MANE Select); coding-DNA position 1515, A replaced by G.
Protein change: p.Ile505Met; replaces isoleucine 505 with methionine.
Molecular consequence: missense variant.
Genome position (GRCh38, 1-based): chr13:32,332,993, A>G. VCF-style: chr13-32332993-A-G. GRCh37 (hg19) VCF-style: chr13-32907130-A-G.
Other names: short protein forms I505M.
Identifiers: ClinVar variation 963843 (VCV000963843.12), dbSNP rs1049893722, ClinGen allele CA387764536.

ClinVar aggregate classification (germline): Conflicting classifications of pathogenicity. Review status: criteria provided, conflicting classifications (1 of 4 stars). 3 submissions from 3 submitters: Uncertain significance (1); Likely benign (2). Last evaluated 2025-08-13.

Conditions:
Hereditary cancer-predisposing syndrome. Also called: Tumor predisposition; Hereditary neoplastic syndrome; Hereditary Cancer Syndrome; Neoplastic Syndromes, Hereditary. Identifiers: Orphanet 140162, MedGen C0027672, MeSH D009386, MONDO:0015356.
Hereditary breast ovarian cancer syndrome. Also called: BRCA1- and BRCA2-Associated Hereditary Breast and Ovarian Cancer; Hereditary breast and ovarian cancer; Hereditary breast and/or ovarian cancer syndrome; Hereditary breast and ovarian cancer syndrome; Hereditary breast and ovarian cancer syndrome (HBOC); Breast and ovarian cancer. Identifiers: Orphanet 145, MedGen C0677776, MeSH D061325, MONDO:0003582. Disease mechanism: loss of function.

gnomAD v4.1: 1 of 1,594,300 alleles (0.000063%); no homozygotes.

Submissions (3):

Labcorp Genetics (formerly Invitae), Labcorp
Classification: Uncertain significance for Hereditary breast ovarian cancer syndrome. Last evaluated: 2025-08-13. Review status: criteria provided, single submitter. Criteria: Invitae Variant Classification Sherloc (09022015). Collection method: clinical testing. Allele origin: germline.
Comment: This sequence change replaces isoleucine, which is neutral and non-polar, with methionine, which is neutral and non-polar, at codon 505 of the BRCA2 protein (p.Ile505Met). This variant is not present in population databases (gnomAD no frequency). This variant has not been reported in the literature in individuals affected with BRCA2-related conditions. ClinVar contains an entry for this variant (Variation ID: 963843). Invitae Evidence Modeling of protein sequence and biophysical properties (such as structural, functional, and spatial information, amino acid conservation, physicochemical variation, residue mobility, and thermodynamic stability) indicates that this missense variant is not expected to disrupt BRCA2 protein function with a negative predictive value of 95%. In summary, the available evidence is currently insufficient to determine the role of this variant in disease. Therefore, it has been classified as a Variant of Uncertain Significance.

Ambry Genetics
Classification: Likely benign for Hereditary cancer-predisposing syndrome. Last evaluated: 2023-11-16. Review status: criteria provided, single submitter. Criteria: Ambry Variant Classification Scheme 2023. Collection method: clinical testing. Allele origin: germline.

University of Washington Department of Laboratory Medicine, University of Washington
Classification: Likely benign for Hereditary cancer-predisposing syndrome. Last evaluated: 2023-03-23. Review status: criteria provided, single submitter. Criteria: Dines et al. (Genet Med. 2020). Collection method: curation. Allele origin: germline.
Comment: Missense variant in a coldspot region where missense variants are very unlikely to be pathogenic (PMID:31911673).

BRCA2 exon 10 coldspot. Reclassification based on statistical prior probability.